The following is an entry in ClinVar:

NM_001089.3(ABCA3):c.2621_2623del (p.Leu874_Cys875delinsArg)

Gene: ABCA3 (ATP binding cassette subfamily A member 3; minus strand). Cytogenetic location: 16p13.3.
Variant type: Deletion.
Coding change: c.2621_2623del on transcript NM_001089.3 (MANE Select); coding-DNA positions 2621 to 2623, 3 bases deleted (TCT; older notation c.2621_2623delTCT).
Protein change: p.Leu874_Cys875delinsArg.
Molecular consequence: inframe indel.
Genome position (GRCh38, 1-based): chr16:2,289,511-2,289,513, AGA deleted on the plus strand (TCT on the coding strand, the reverse complement: ABCA3 is on the minus strand). VCF-style (leftmost placement, unchanged base first): chr16-2289510-CAGA-C. GRCh37 (hg19) VCF-style: chr16-2339511-CAGA-C.
Identifiers: ClinVar variation 5004478 (VCV005004478.1).

ClinVar aggregate classification (germline): Uncertain significance (1 of 4 stars; one submission).

Conditions:
Interstitial lung disease due to ABCA3 deficiency. Also called: PULMONARY ALVEOLAR PROTEINOSIS, CONGENITAL, 3. Identifiers: Orphanet 440402, MedGen C1970456, MONDO:0012582, OMIM 610921.

Submission:

Myriad Genetics, Inc.
Classification: Uncertain significance for Interstitial lung disease due to ABCA3 deficiency. Last evaluated: 2026-02-19. Review status: criteria provided, single submitter. Criteria: Myriad Autosomal Dominant, Autosomal Recessive and X-Linked Classification Criteria (2023). Collection method: clinical testing. Allele origin: unknown.
Comment: NM_001089.2(ABCA3):c.2621_2623delTCT(L874_C875delinsR) is an in-frame deletion classified as a variant of uncertain significance in the context of surfactant deficiency, ABCA3-related. L874_C875delinsR has not been observed in cases with relevant disease. Relevant functional assessments of this variant are not available in the literature. L874_C875delinsR has not been observed in referenced population frequency databases. In summary, there is insufficient evidence to classify NM_001089.2(ABCA3):c.2621_2623delTCT(L874_C875delinsR) as pathogenic or benign. Please note: this variant was assessed in the context of healthy population screening.